The following is an entry in ClinVar:

ClinVar aggregate classification (germline): Pathogenic. Review status: reviewed by expert panel (3 of 4 stars). 8 submissions from 8 submitters: Pathogenic (1). 7 of the submissions do not count toward it. Last evaluated 2025-09-17.

Conditions:
DYSF-related disorder. Also called: DYSF-related disorders; DYSF-related condition.
Autosomal recessive limb-girdle muscular dystrophy. Identifiers: Orphanet 102015, MedGen C2931907, MONDO:0015152.
Neuromuscular disease caused by qualitative or quantitative defects of dysferlin. Also called: Qualitative or quantitative defects of dysferlin; Dysferlinopathy. Identifiers: Orphanet 207073, MedGen C2931687, MONDO:0016145.
Autosomal recessive limb-girdle muscular dystrophy type 2B (LGMDR2). Also called: Limb-girdle muscular dystrophy, type 2B; MUSCULAR DYSTROPHY, LIMB-GIRDLE, AUTOSOMAL RECESSIVE 2; MUSCULAR DYSTROPHY, LIMB-GIRDLE, TYPE 3; Limb-Girdle Muscular Dystrophy Type 2B (LGMD2B). Identifiers: Orphanet 268, MedGen C1850889, MONDO:0009676, OMIM 253601.
Distal myopathy with anterior tibial onset. Identifiers: Orphanet 178400, MedGen C1847532, MONDO:0011721, OMIM 606768.
Miyoshi muscular dystrophy 1 (MMD1). Identifiers: Orphanet 45448, MedGen C4551973, MONDO:0024545, OMIM 254130.

Submissions (8):

ClinGen Limb Girdle Muscular Dystrophy Variant Curation Expert Panel, ClinGen
Classification: Pathogenic for Autosomal recessive limb-girdle muscular dystrophy. Last evaluated: 2025-09-17. Review status: reviewed by expert panel. Criteria: ClinGen LGMD VCEP ACMG Specifications DYSF V2.0.0. Collection method: curation. Allele origin: germline. Inheritance: Autosomal recessive inheritance.
Comment: The NM_003494.4: c.5594del p.(Gly1865AlafsTer101) variant in DYSF, which is also known as NM_001130987.2: c.5711del (p.Gly1904fsTer101), is a frameshift variant expected to introduce a premature stop codon in exon 52/55, leading to nonsense mediated decay in a gene in which loss of function is a known mechanism of disease (PVS1). In the literature, this variant has also been described as p.(Gly1865AlafsTer100). Across a selection of the available literature, this variant has been reported in at least seven patients with features consistent with LGMD (PMID: 17698709, 22194990, 18853459), including in a homozygous state in two unrelated individuals without reported familial consanguinity and in two unrelated patients with known consanguinity (1.0 pt, PMID: 17698709, 22194990, 18853459; PM3). This variant was shown to segregate with autosomal recessive LGMD in at least two affected family members from a single family (PMID: 18853459; PP1_Moderate). In addition, at least one of the patients with this variant and a second presumed diagnostic DYSF allele had absent dysferlin in blood monocytes and skeletal muscle as well as a clinical diagnosis of LGMD (PMID: 22194990; PP4_Moderate, capped with PP1_Moderate). The highest population allele frequency for this variant in gnomAD v4.1.0 is 0.00001667 (1/60000 Admixed American chromosomes), which is less than the threshold of 0.0001 for PM2_Supporting, meeting this criterion (PM2_Supporting). In summary, this variant meets the criteria to be classified as Pathogenic for autosomal recessive limb girdle muscular dystrophy based on the ACMG/AMP criteria applied, as specified by the ClinGen LGMD VCEP (LGMD VCEP specifications version 2.0.0; 09/17/2025): PVS1, PM3, PP1_Moderate, PP4_Moderate, PM2_Supporting.

GeneDx
Classification: Pathogenic. Last evaluated: 2026-03-15. Review status: criteria provided, single submitter. Criteria: GeneDx Variant Classification Process June 2021. Collection method: clinical testing. Allele origin: germline. Not counted in ClinVar's aggregate classification.
Comment: Frameshift variant predicted to result in protein truncation or nonsense mediated decay in a gene for which loss of function is a known mechanism of disease; Not observed at significant frequency in large population cohorts (gnomAD); This variant is associated with the following publications: (PMID: 22194990, 33927379, 32403337, 34624274, 31589614, 33610434, 35741838, 39678382, 18853459, 11198284, 17698709, 9731526, 26404900)

Labcorp Genetics (formerly Invitae), Labcorp
Classification: Pathogenic for Neuromuscular disease caused by qualitative or quantitative defects of dysferlin. Last evaluated: 2025-12-03. Review status: criteria provided, single submitter. Criteria: Invitae Variant Classification Sherloc (09022015). Collection method: clinical testing. Allele origin: germline. Not counted in ClinVar's aggregate classification.
Comment: This sequence change creates a premature translational stop signal (p.Gly1865Alafs*101) in the DYSF gene. It is expected to result in an absent or disrupted protein product. Loss-of-function variants in DYSF are known to be pathogenic (PMID: 17698709, 20301480). This variant is present in population databases (rs766993624, gnomAD 0.0009%). This premature translational stop signal has been observed in individuals with myopathy (PMID: 9731526, 11198284, 17698709, 18853459, 22194990). ClinVar contains an entry for this variant (Variation ID: 6666). For these reasons, this variant has been classified as Pathogenic.

3billion
Classification: Pathogenic for DYSF-related disorder. Last evaluated: 2025-08-05. Review status: criteria provided, single submitter. Criteria: ACMG Guidelines, 2015. Collection method: clinical testing. Allele origin: germline. Affected: yes. Not counted in ClinVar's aggregate classification.
Comment: The variant is observed at an extremely low frequency in the gnomAD v4.1.0 dataset (total allele frequency: <0.001%). Predicted Consequence/Location: Frameshift: predicted to result in a loss or disruption of normal protein function through nonsense-mediated decay (NMD) or protein truncation. Multiple pathogenic variants are reported downstream of the variant. The variant has been reported at least twice as pathogenic without evidence for the classification (ClinVar ID: VCV000006666 /PMID: 9731526 /3billion dataset). Therefore, this variant is classified as Pathogenic according to the recommendation of ACMG/AMP guideline.

Natera, Inc.
Classification: Pathogenic for Limb-girdle muscular dystrophy type 2B. Last evaluated: 2025-07-25. Review status: criteria provided, single submitter. Criteria: Natera Variant Classification Schema (03/2026). Collection method: clinical testing. Allele origin: germline. Not counted in ClinVar's aggregate classification.
Comment: The c.5594delG variant in DYSF is a frameshift variant predicted to shift the reading frame beginning at codon 1865 and leads to a stop codon 101 codons downstream. This variant is expected to result in nonsense mediated decay, truncation, or a dysfunctional protein product. This variant is rare in the general population with a frequency below the threshold expected for the associated phenotype(s). This variant has been observed in one or more individuals affected with the associated recessive disease, as either homozygous or compound heterozygous with a second variant (PMID: 34624274, 23530687). Given the available evidence, this variant is classified as Pathogenic.

Baylor Genetics
Classification: Pathogenic for Miyoshi muscular dystrophy 1. Last evaluated: 2023-12-16. Review status: criteria provided, single submitter. Criteria: ACMG Guidelines, 2015. Collection method: clinical testing. Allele origin: unknown. Not counted in ClinVar's aggregate classification.

Revvity Omics, Revvity
Classification: Pathogenic. Last evaluated: 2019-05-13. Review status: criteria provided, single submitter. Criteria: ACMG Guidelines, 2015. Collection method: clinical testing. Allele origin: germline. Not counted in ClinVar's aggregate classification.

OMIM
Classification: Pathogenic for MYOPATHY, DISTAL, WITH ANTERIOR TIBIAL ONSET. Last evaluated: 2001-01-01. Review status: no assertion criteria provided. Collection method: literature only. Allele origin: germline. Not counted in ClinVar's aggregate classification.

Literature cited by the submitters: PubMed 17698709 (cited by Labcorp Genetics (formerly Invitae), Labcorp); PubMed 20301480 (cited by Labcorp Genetics (formerly Invitae), Labcorp); PubMed 9731526 (cited by 3 submitters); PubMed 11198284 (cited by Labcorp Genetics (formerly Invitae), Labcorp and OMIM); PubMed 18853459 (cited by Labcorp Genetics (formerly Invitae), Labcorp); PubMed 22194990 (cited by Labcorp Genetics (formerly Invitae), Labcorp); PubMed 34624274 (cited by Natera, Inc.); PubMed 23530687 (cited by Natera, Inc.).

NM_001130987.2(DYSF):c.5711del (p.Gly1904fs)

Gene: DYSF (dysferlin; plus strand). Cytogenetic location: 2p13.2.
Variant type: Deletion.
Coding change: c.5711del on transcript NM_001130987.2 (MANE Select); coding-DNA position 5711, one base deleted (G; older notation c.5711delG).
Protein change: p.Gly1904fs; shifts the reading frame from glycine 1904.
Molecular consequence: frameshift variant.
Genome position (GRCh38, 1-based): chr2:71,669,673, G deleted; the last of 2 consecutive G bases (chr2:71,669,672-71,669,673); deleting either gives the same sequence. VCF-style (leftmost placement, unchanged base first): chr2-71669671-AG-A. GRCh37 (hg19) VCF-style: chr2-71896801-AG-A.
Other names: NM_001130987.2(DYSF):c.5711del; p.Gly1904fs; c.5597del, p.Gly1866fs (NM_001130455.2); c.5552del, p.Gly1851fs (NM_001130976.2); c.5615del, p.Gly1872fs (NM_001130977.2); c.5657del, p.Gly1886fs (NM_001130978.2); c.5687del, p.Gly1896fs (NM_001130979.2); c.5645del, p.Gly1882fs (NM_001130980.2); and 8 more; short protein forms G1851fs, G1866fs, G1887fs, G1897fs, G1903fs, G1852fs, G1883fs, G1896fs.
Identifiers: ClinVar variation 6666 (VCV000006666.21), dbSNP rs786205081, ClinGen allele CA212859.